The following is an entry in ClinVar:

NM_004725.4(BUB3):c.901A>G (p.Met301Val)

Gene: BUB3 (BUB3 mitotic checkpoint protein; plus strand). Cytogenetic location: 10q26.13.
Variant type: single nucleotide variant.
Coding change: c.901A>G on transcript NM_004725.4 (MANE Select); coding-DNA position 901, A replaced by G.
Protein change: p.Met301Val; replaces methionine 301 with valine.
Molecular consequence: missense variant.
Genome position (GRCh38, 1-based): chr10:123,162,758, A>G. VCF-style: chr10-123162758-A-G. GRCh37 (hg19) VCF-style: chr10-124922274-A-G.
Other names: c.901A>G, p.Met301Val (NM_001007793.3); short protein forms M301V.
Identifiers: ClinVar variation 2496828 (VCV002496828.2), dbSNP rs140277834, ClinGen allele CA5731683.
Genomic context (GRCh38, chr10:123,162,758, plus strand): 5'-TCACTTGCCTTCAGTAATGATGGGACTACGCTTGCAATAGCGTCATCATATATGTATGAA[A>G]TGGATGACACAGAACATCCTGAAGATGGTATCTTCATTCGCCAAGTGACAGATGCAGAAA-3'
Protein context (NP_004716.1, residues 291-311): LAIASSYMYE[Met301Val]DDTEHPEDGI

ClinVar aggregate classification (germline): Uncertain significance (1 of 4 stars; one submission).

Allele frequency attached by ClinVar (database versions not stated): gnomAD 0.00001; ExAC 0.00002; TOPMed 0.00002; gnomAD exomes 0.00004; ESP Exome Variant Server 0.00015.

Submission:

Ambry Genetics
Classification: Uncertain significance. Last evaluated: 2022-12-18. Review status: criteria provided, single submitter. Criteria: Ambry Variant Classification Scheme 2023. Collection method: clinical testing. Allele origin: germline.
Comment: The p.M301V variant (also known as c.901A>G), located in coding exon 6 of the BUB3 gene, results from an A to G substitution at nucleotide position 901. The methionine at codon 301 is replaced by valine, an amino acid with highly similar properties. This amino acid position is conserved. In addition, this alteration is predicted to be tolerated by in silico analysis. Since supporting evidence is limited at this time, the clinical significance of this alteration remains unclear.